The following is an entry in ClinVar:

NM_030665.4(RAI1):c.2708A>C (p.Glu903Ala)

Gene: RAI1 (retinoic acid induced 1; plus strand). Cytogenetic location: 17p11.2.
Variant type: single nucleotide variant.
Coding change: c.2708A>C on transcript NM_030665.4 (MANE Select); coding-DNA position 2708, A replaced by C.
Protein change: p.Glu903Ala; replaces glutamic acid 903 with alanine.
Molecular consequence: missense variant.
Genome position (GRCh38, 1-based): chr17:17,795,656, A>C. VCF-style: chr17-17795656-A-C. GRCh37 (hg19) VCF-style: chr17-17698970-A-C.
Other names: short protein forms E903A.
Identifiers: ClinVar variation 3346785 (VCV003346785.1).

ClinVar aggregate classification (germline): Uncertain significance (0 of 4 stars; one submission).

Conditions:
RAI1-related disorder. Also called: RAI1-related condition.

gnomAD v4.1: 2 of 1,612,844 alleles (0.00012%); highest among the groups gnomAD compares: Non-Finnish European, 0.00017%; no homozygotes.

Submission:

PreventionGenetics, part of Exact Sciences
Classification: Uncertain significance for RAI1-related condition. Last evaluated: 2024-05-22. Review status: no assertion criteria provided. Collection method: clinical testing. Allele origin: germline.
Comment: The RAI1 c.2708A>C variant is predicted to result in the amino acid substitution p.Glu903Ala. To our knowledge, this variant has not been reported in the literature or in a large population database, indicating this variant is rare. At this time, the clinical significance of this variant is uncertain due to the absence of conclusive functional and genetic evidence.